The following is an entry in ClinVar:

ClinVar aggregate classification (germline): Pathogenic (1 of 4 stars; one submission).

Conditions:
Neurofibromatosis, type 1 (NF1). Also called: NEUROFIBROMATOSIS, TYPE I, SOMATIC; Peripheral type neurofibromatosis; VON RECKLINGHAUSEN DISEASE; Neurofibromatosis, type I. Identifiers: Orphanet 636, MedGen C0027831, MONDO:0018975, OMIM 162200. Disease mechanism: loss of function.

Submission:

Victorian Clinical Genetics Services, Murdoch Childrens Research Institute
Classification: Pathogenic for Neurofibromatosis, type 1. Last evaluated: 2022-02-02. Review status: criteria provided, single submitter. Criteria: ACMG Guidelines, 2015. Collection method: clinical testing. Allele origin: germline. Inheritance: Autosomal dominant inheritance. Affected: yes.
Comment: Based on the classification scheme VCGS_Germline_v1.3.4, this variant is classified as Pathogenic. Following criteria are met: 0102 - Loss of function is a known mechanism of disease in this gene and is associated with NF1-related conditions. (I) 0107 - This gene is associated with autosomal dominant disease. (I) 0115 - Variants in this gene are known to have variable expressivity. A child may be more severely affected than a carrier parent (GeneReviews). (I) 0200 - Variant is predicted to result in a missense amino acid change from phenylalanine to leucine. (I) 0251 - This variant is heterozygous. (I) 0301 - Variant is absent from gnomAD (both v2 and v3). (SP) 0502 - Missense variant with conflicting in silico predictions and uninformative conservation. (I) 0600 - Variant is located in the annotated tubulin binding domain (PMID:34080803). (I) 0702 - Other missense variants comparable to the one identified in this case have strong previous evidence for pathogenicity. At least three alternative amino acid changes have been reported as pathogenic in unrelated individuals with NF1-related conditions, including one de novo report (Clinvar, DECIPHER, PMID:23244495, 11735023). (SP) 0803 - This variant has limited previous evidence of pathogenicity in an unrelated individual with neurofibromatosis type 1 (ClinVar, PMID:34080803). (SP) 0905 - No published segregation evidence has been identified for this variant. (I) 1007 - No published functional evidence has been identified for this variant. (I) 1208 - Inheritance information for this variant is not currently available in this individual. (I) Legend: (SP) - Supporting pathogenic, (I) - Information, (SB) - Supporting benign

Literature cited by the submitters: PubMed 11735023; PubMed 23244495; PubMed 34080803.

NM_001042492.3(NF1):c.3579T>A (p.Phe1193Leu)

Gene: NF1 (neurofibromin 1; plus strand). Cytogenetic location: 17q11.2.
Variant type: single nucleotide variant.
Coding change: c.3579T>A on transcript NM_001042492.3 (MANE Select); coding-DNA position 3579, T replaced by A.
Protein change: p.Phe1193Leu; replaces phenylalanine 1193 with leucine.
Molecular consequence: missense variant.
Genome position (GRCh38, 1-based): chr17:31,233,084, T>A. VCF-style: chr17-31233084-T-A. GRCh37 (hg19) VCF-style: chr17-29560102-T-A.
Other names: c.3579T>A, p.Phe1193Leu (NM_000267.4); short protein forms F1193L.
Identifiers: ClinVar variation 1805195 (VCV001805195.2), dbSNP rs2067142728, ClinGen allele CA398990148.